The following is an entry in ClinVar:

ClinVar aggregate classification (germline): Uncertain significance (1 of 4 stars; one submission).

Conditions:
Congenital disorder of glycosylation type 1E (CDG1E). Also called: CDG Ie; CONGENITAL DISORDER OF GLYCOSYLATION, TYPE Ie. Identifiers: Orphanet 79322, MedGen C1837396, MONDO:0012123, OMIM 608799.

Allele frequency attached by ClinVar (database versions not stated): TOPMed 0.00001; 1000 Genomes Project 0.00020; 1000 Genomes Project 30x 0.00031.

Submission:

Labcorp Genetics (formerly Invitae), Labcorp
Classification: Uncertain significance for Congenital disorder of glycosylation type 1E. Last evaluated: 2022-08-31. Review status: criteria provided, single submitter. Criteria: Invitae Variant Classification Sherloc (09022015). Collection method: clinical testing. Allele origin: germline.
Comment: In summary, the available evidence is currently insufficient to determine the role of this variant in disease. Therefore, it has been classified as a Variant of Uncertain Significance. Algorithms developed to predict the effect of missense changes on protein structure and function are either unavailable or do not agree on the potential impact of this missense change (SIFT: "Deleterious"; PolyPhen-2: "Benign"; Align-GVGD: "Class C15"). ClinVar contains an entry for this variant (Variation ID: 1375951). This variant has not been reported in the literature in individuals affected with DPM1-related conditions. This variant is present in population databases (rs547949792, gnomAD 0.008%). This sequence change replaces arginine, which is basic and polar, with cysteine, which is neutral and slightly polar, at codon 166 of the DPM1 protein (p.Arg166Cys).

NM_003859.3(DPM1):c.496C>T (p.Arg166Cys)

Genes: DPM1 (dolichyl-phosphate mannosyltransferase subunit 1, catalytic; minus strand), ADNP-AS1 (ADNP antisense RNA 1; plus strand). Cytogenetic location: 20q13.13.
Variant type: single nucleotide variant.
Coding change: c.496C>T on transcript NM_003859.3 (MANE Select); coding-DNA position 496, C replaced by T.
Protein change: p.Arg166Cys; replaces arginine 166 with cysteine.
Molecular consequence: missense variant. On other transcripts: non-coding transcript variant (1), intron variant (1).
Genome position (GRCh38, 1-based): chr20:50,940,932, G>A on the plus strand (C>T on the coding strand, the complement: DPM1 is on the minus strand). VCF-style: chr20-50940932-G-A. GRCh37 (hg19) VCF-style: chr20-49557469-G-A.
Other names: c.601C>T, p.Arg201Cys (NM_001317034.1); c.577C>T, p.Arg193Cys (NM_001317035.1); c.494+1099C>T (NM_001317036.1); short protein forms R201C, R166C, R193C.
Identifiers: ClinVar variation 1375951 (VCV001375951.8), dbSNP rs547949792, ClinGen allele CA9909062.